The following is an entry in ClinVar:

ClinVar aggregate classification (germline): Uncertain significance (1 of 4 stars; one submission).

Conditions:
ZNF407-related disorder. Also called: ZNF407-related condition.

gnomAD v4.1: 5 of 1,614,070 alleles (0.00031%); highest among the groups gnomAD compares: Non-Finnish European, 0.00034%; no homozygotes.

Submission:

PreventionGenetics, part of Exact Sciences
Classification: Uncertain significance for ZNF407-related condition. Last evaluated: 2026-03-02. Review status: criteria provided, single submitter. Criteria: ACMG Guidelines, 2015. Collection method: clinical testing. Allele origin: germline.
Comment: The ZNF407 c.743T>C variant is predicted to result in the amino acid substitution p.Leu248Pro. To our knowledge, this variant has not been reported in the literature or in a large population database (gnomAD), indicating this variant is rare. At this time, the clinical significance of this variant is uncertain due to the absence of conclusive functional and genetic evidence.

NM_017757.3(ZNF407):c.743T>C (p.Leu248Pro)

Gene: ZNF407 (zinc finger protein 407; plus strand). Cytogenetic location: 18q22.3.
Variant type: single nucleotide variant.
Coding change: c.743T>C on transcript NM_017757.3 (MANE Select); coding-DNA position 743, T replaced by C.
Protein change: p.Leu248Pro; replaces leucine 248 with proline.
Molecular consequence: missense variant.
Genome position (GRCh38, 1-based): chr18:74,631,762, T>C. VCF-style: chr18-74631762-T-C. GRCh37 (hg19) VCF-style: chr18-72343718-T-C.
Other names: c.743T>C, p.Leu248Pro (NM_001146189.1, NM_001146190.1, NM_001384475.1); short protein forms L248P.
Identifiers: ClinVar variation 4998827 (VCV004998827.1).